The following is an entry in ClinVar:

NM_000038.6(APC):c.3877dup (p.Thr1293fs)

Gene: APC (APC regulator of Wnt signaling pathway; plus strand). Cytogenetic location: 5q22.2.
Variant type: Duplication.
Coding change: c.3877dup on transcript NM_000038.6 (MANE Select); coding-DNA position 3877, one base duplicated (A; older notation c.3877dupA).
Protein change: p.Thr1293fs; shifts the reading frame from threonine 1293.
Molecular consequence: frameshift variant.
Genome position (GRCh38, 1-based): chr5:112,839,471, A duplicated. VCF-style (leftmost placement, unchanged base first): chr5-112839470-G-GA. GRCh37 (hg19) VCF-style: chr5-112175167-G-GA.
Other names: c.3877dup, p.Thr1293fs (NM_001127510.3, NM_001354895.2); c.3823dup, p.Thr1275fs (NM_001127511.3); c.3931dup, p.Thr1311fs (NM_001354896.2); c.3907dup, p.Thr1303fs (NM_001354897.2); c.3802dup, p.Thr1268fs (NM_001354898.2); c.3793dup, p.Thr1265fs (NM_001354899.2); c.3754dup, p.Thr1252fs (NM_001354900.2); c.3700dup, p.Thr1234fs (NM_001354901.2); and 5 more; short protein forms T1202fs, T1234fs, T1192fs, T1252fs, T1265fs, T1311fs, T1010fs, T1275fs.
Identifiers: ClinVar variation 663859 (VCV000663859.10), dbSNP rs1580641118, ClinGen allele CA915943485.
Genomic context (GRCh38, chr5:112,839,470, plus strand): 5'-AAGATGTAGTTCATTATCATCTTTGTCATCAGCTGAAGATGAAATAGGATGTAATCAGAC[G>GA]ACACAGGAAGCAGATTCTGCTAATACCCTGCAAATAGCAGAAATAAAAGAAAAGATTGGA-3'

ClinVar aggregate classification (germline): Pathogenic (1 of 4 stars; one submission).

Conditions:
Familial adenomatous polyposis 1 (FAP1). Also called: FAMILIAL ADENOMATOUS POLYPOSIS 1, ATTENUATED; POLYPOSIS, ADENOMATOUS INTESTINAL. Identifiers: MedGen C2713442, MONDO:0021056, OMIM 175100. Disease mechanism: loss of function.

Submission:

Labcorp Genetics (formerly Invitae), Labcorp
Classification: Pathogenic for Familial adenomatous polyposis 1. Last evaluated: 2018-09-05. Review status: criteria provided, single submitter. Criteria: Invitae Variant Classification Sherloc (09022015). Collection method: clinical testing. Allele origin: germline.
Comment: This sequence change results in a premature translational stop signal in the APC gene (p.Thr1293Asnfs*8). While this is not anticipated to result in nonsense mediated decay, it is expected to disrupt the last 1551 amino acids of the APC protein. This variant is not present in population databases (ExAC no frequency). This variant has not been reported in the literature in individuals with APC-related disease. This variant is expected to disrupt the EB1 and HDLG binding sites, which mediate interactions with the cytoskeleton (PMID: 15311282, 17293347). While functional studies have not been performed to directly test the effect on APC protein function, this suggests that disruption of the C-terminal portion of the protein is functionally important. A different truncation (p.Tyr2645Lysfs*14) that lies downstream of this variant has been determined to be pathogenic (PMID: 9824584, 1316610, 27081525, 8381579, 22135120, Invitae). This suggests that deletion of this region of the APC protein is causative of disease. For these reasons, this variant has been classified as Pathogenic.

Literature cited by the submitters: PubMed 15311282; PubMed 17293347; PubMed 9824584; PubMed 1316610; PubMed 27081525; PubMed 8381579; PubMed 22135120.